The following is an entry in ClinVar:

NM_016333.4(SRRM2):c.7742G>T (p.Ser2581Ile)

Gene: SRRM2 (serine/arginine repetitive matrix 2; plus strand). Cytogenetic location: 16p13.3.
Variant type: single nucleotide variant.
Coding change: c.7742G>T on transcript NM_016333.4 (MANE Select); coding-DNA position 7742, G replaced by T.
Protein change: p.Ser2581Ile; replaces serine 2581 with isoleucine.
Molecular consequence: missense variant.
Genome position (GRCh38, 1-based): chr16:2,769,005, G>T. VCF-style: chr16-2769005-G-T. GRCh37 (hg19) VCF-style: chr16-2819006-G-T.
Other names: short protein forms S2581I.
Identifiers: ClinVar variation 3369422 (VCV003369422.1).

ClinVar aggregate classification (germline): Uncertain significance (1 of 4 stars; one submission).

Submission:

GeneDx
Classification: Uncertain significance. Last evaluated: 2024-02-18. Review status: criteria provided, single submitter. Criteria: GeneDx Variant Classification Process June 2021. Collection method: clinical testing. Allele origin: germline. Affected: yes.
Comment: Not observed at significant frequency in large population cohorts (gnomAD); In silico analysis supports that this missense variant does not alter protein structure/function; Has not been previously published as pathogenic or benign to our knowledge